The following is an entry in ClinVar:

NM_004397.6(DDX6):c.134T>G (p.Leu45Arg)

Gene: DDX6 (DEAD-box helicase 6; minus strand). Cytogenetic location: 11q23.3.
Variant type: single nucleotide variant.
Coding change: c.134T>G on transcript NM_004397.6 (MANE Select); coding-DNA position 134, T replaced by G.
Protein change: p.Leu45Arg; replaces leucine 45 with arginine.
Molecular consequence: missense variant.
Genome position (GRCh38, 1-based): chr11:118,786,118, A>C on the plus strand (T>G on the coding strand, the complement: DDX6 is on the minus strand). VCF-style: chr11-118786118-A-C. GRCh37 (hg19) VCF-style: chr11-118656827-A-C.
Other names: c.134T>G, p.Leu45Arg (NM_001257191.3); short protein forms L45R.
Identifiers: ClinVar variation 1684543 (VCV001684543.2), dbSNP rs367679076, ClinGen allele CA229557527.
Genomic context (GRCh38, chr11:118,786,118, plus strand): 5'-GTGGTGGTCATACTCTGTGCTTGCTGCTGAGTGCCATTATTGATTGTGTTGGTGTTTTTC[A>C]GCTGGTTCATCTGTTGCTGTGTCTGTGTGCCCCCTCCTCCAGGGCCACCAGTGGGTTTCA-3'
Protein context (NP_004388.2, residues 35-55): GTQTQQQMNQ[Leu45Arg]KNTNTINNGT

ClinVar aggregate classification (germline): Uncertain significance (1 of 4 stars; one submission).

Conditions:
Intellectual developmental disorder with impaired language and dysmorphic facies. Identifiers: MedGen C5231444, MONDO:0032851, OMIM 618653.

Allele frequency attached by ClinVar (database versions not stated): ESP Exome Variant Server 0.00008.

Submission:

Institute of Human Genetics, University of Goettingen
Classification: Uncertain significance for Intellectual developmental disorder with impaired language and dysmorphic facies. Last evaluated: 2022-05-20. Review status: criteria provided, single submitter. Criteria: ACMG Guidelines, 2015. Collection method: clinical testing. Allele origin: unknown. Inheritance: Autosomal dominant inheritance. Observed: 1 heterozygote.
Comment: For the following reasons, the DDX6 sequence variant found is assessed by us as a "variant of unclear significance" (VUS): a comparison with the gnomAD browser did not provide any evidence that this sequence change is a norm variant that can also be detected in non-affected individuals. The mutation is currently not listed in ClinVar or in the HGMD database.